The following is an entry in ClinVar:

ClinVar aggregate classification (germline): Pathogenic/Likely pathogenic. Review status: criteria provided, multiple submitters, no conflicts (2 of 4 stars). 2 submissions from 2 submitters: Pathogenic (1); Likely pathogenic (1). Last evaluated 2025-10-05.

Conditions:
Primary ciliary dyskinesia. Also called: Ciliary dyskinesia. Identifiers: Orphanet 244, MedGen C0008780, MONDO:0016575, HP:0012265.
DNAH5-related disorders.

Submissions (2):

Labcorp Genetics (formerly Invitae), Labcorp
Classification: Pathogenic for Primary ciliary dyskinesia. Last evaluated: 2025-10-05. Review status: criteria provided, single submitter. Criteria: Invitae Variant Classification Sherloc (09022015). Collection method: clinical testing. Allele origin: germline.
Comment: This sequence change creates a premature translational stop signal (p.Glu576*) in the DNAH5 gene. It is expected to result in an absent or disrupted protein product. Loss-of-function variants in DNAH5 are known to be pathogenic (PMID: 11788826, 16627867). This variant is not present in population databases (gnomAD no frequency). This variant has not been reported in the literature in individuals affected with DNAH5-related conditions. For these reasons, this variant has been classified as Pathogenic.

Blueprint Genetics
Classification: Likely pathogenic for DNAH5-related disorders. Last evaluated: 2019-12-17. Review status: criteria provided, single submitter. Criteria: ACMG Guidelines, 2015. Collection method: clinical testing. Allele origin: germline. Affected: yes. Observed: 1 variant allele.

Literature cited by the submitters: PubMed 11788826 (cited by Labcorp Genetics (formerly Invitae), Labcorp); PubMed 16627867 (cited by Labcorp Genetics (formerly Invitae), Labcorp).

NM_001369.3(DNAH5):c.1726G>T (p.Glu576Ter)

Gene: DNAH5 (dynein axonemal heavy chain 5; minus strand). Cytogenetic location: 5p15.2.
Variant type: single nucleotide variant.
Coding change: c.1726G>T on transcript NM_001369.3 (MANE Select); coding-DNA position 1726, G replaced by T.
Protein change: p.Glu576Ter; replaces glutamic acid 576 with a stop codon.
Molecular consequence: nonsense.
Genome position (GRCh38, 1-based): chr5:13,902,057, C>A on the plus strand (G>T on the coding strand, the complement: DNAH5 is on the minus strand). VCF-style: chr5-13902057-C-A. GRCh37 (hg19) VCF-style: chr5-13902166-C-A.
Other names: short protein forms E576*.
Identifiers: ClinVar variation 4705429 (VCV004705429.2).
Genomic context (GRCh38, chr5:13,902,057, plus strand): 5'-AATAAAAGCTAAACTATCCCAATTTTAGAAAATAGACAATTTCTTGAAAATTTTACCTTT[C>A]AAATTTCTTCAACATTCTTAGAGCTTGATTTGTGTTTTGAATCTTTGCAAATGTAACATC-3'